The following is an entry in ClinVar:

NM_144687.4(NLRP12):c.1956C>G (p.Phe652Leu)

Gene: NLRP12 (NLR family pyrin domain containing 12; minus strand). Cytogenetic location: 19q13.42.
Variant type: single nucleotide variant.
Coding change: c.1956C>G on transcript NM_144687.4 (MANE Select); coding-DNA position 1956, C replaced by G.
Protein change: p.Phe652Leu; replaces phenylalanine 652 with leucine.
Molecular consequence: missense variant.
Genome position (GRCh38, 1-based): chr19:53,809,703, G>C on the plus strand (C>G on the coding strand, the complement: NLRP12 is on the minus strand). VCF-style: chr19-53809703-G-C. GRCh37 (hg19) VCF-style: chr19-54312957-G-C.
Other names: c.1956C>G, p.Phe652Leu (NM_001277126.2, NM_001277129.1); short protein forms F652L.
Identifiers: ClinVar variation 4742307 (VCV004742307.1).

ClinVar aggregate classification (germline): Uncertain significance (1 of 4 stars; one submission).

Conditions:
Familial cold autoinflammatory syndrome 2 (FCAS2). Identifiers: Orphanet 247868, MedGen C2673198, MONDO:0012724, OMIM 611762.

gnomAD v4.1: 1 of 1,614,100 alleles (0.000062%); highest among the groups gnomAD compares: East Asian, 0.0022%; no homozygotes.

Submission:

Labcorp Genetics (formerly Invitae), Labcorp
Classification: Uncertain significance for Familial cold autoinflammatory syndrome 2. Last evaluated: 2025-11-04. Review status: criteria provided, single submitter. Criteria: Invitae Variant Classification Sherloc (09022015). Collection method: clinical testing. Allele origin: germline.
Comment: This sequence change replaces phenylalanine, which is neutral and non-polar, with leucine, which is neutral and non-polar, at codon 652 of the NLRP12 protein (p.Phe652Leu). This variant is present in population databases (no rsID available, gnomAD 0.006%). This variant has not been reported in the literature in individuals affected with NLRP12-related conditions. Invitae Evidence Modeling of protein sequence and biophysical properties (such as structural, functional, and spatial information, amino acid conservation, physicochemical variation, residue mobility, and thermodynamic stability) indicates that this missense variant is expected to disrupt NLRP12 protein function with a positive predictive value of 80%. In summary, the available evidence is currently insufficient to determine the role of this variant in disease. Therefore, it has been classified as a Variant of Uncertain Significance.